The following is an entry in ClinVar:

ClinVar aggregate classification (germline): Conflicting classifications of pathogenicity. Review status: criteria provided, conflicting classifications (1 of 4 stars). 4 submissions from 4 submitters: Likely pathogenic (1); Uncertain significance (3). Last evaluated 2026-01-24.

Conditions:
Bethlem myopathy 1A. Also called: Bethlem Muscular Dystrophy; Bethlem myopathy 1; MYOPATHY, BENIGN CONGENITAL, WITH CONTRACTURES. Identifiers: Orphanet 610, MedGen CN029274, MONDO:0024530, OMIM 158810.

Submissions (4):

Labcorp Genetics (formerly Invitae), Labcorp
Classification: Uncertain significance for Bethlem myopathy 1A. Last evaluated: 2026-01-24. Review status: criteria provided, single submitter. Criteria: Invitae Variant Classification Sherloc (09022015). Collection method: clinical testing. Allele origin: germline.
Comment: This sequence change falls in intron 7 of the COL6A2 gene. It does not directly change the encoded amino acid sequence of the COL6A2 protein. It affects a nucleotide within the consensus splice site. This variant is not present in population databases (gnomAD no frequency). This variant has not been reported in the literature in individuals affected with COL6A2-related conditions. ClinVar contains an entry for this variant (Variation ID: 597546). Variants that disrupt the consensus splice site are a relatively common cause of aberrant splicing (PMID: 17576681, 9536098). Algorithms developed to predict the effect of sequence changes on RNA splicing suggest that this variant may disrupt the consensus splice site. In summary, the available evidence is currently insufficient to determine the role of this variant in disease. Therefore, it has been classified as a Variant of Uncertain Significance.

GeneDx
Classification: Uncertain significance. Last evaluated: 2022-12-22. Review status: criteria provided, single submitter. Criteria: GeneDx Variant Classification Process June 2021. Collection method: clinical testing. Allele origin: germline. Affected: yes.
Comment: Not observed at significant frequency in large population cohorts (gnomAD); In silico analysis supports a deleterious effect on splicing; Has not been previously published as pathogenic or benign to our knowledge; This variant is associated with the following publications: (PMID: 32363432)

Department of Clinical Genetics, Copenhagen University Hospital, Rigshospitalet
Classification: Likely pathogenic for Bethlem myopathy 1A. Last evaluated: 2021-08-01. Review status: criteria provided, single submitter. Criteria: ACMG Guidelines, 2015. Collection method: clinical testing. Allele origin: inherited. Affected: yes.

Eurofins Ntd Llc (ga)
Classification: Uncertain significance. Last evaluated: 2018-06-18. Review status: criteria provided, single submitter. Criteria: EGL ClinVar v180209 classification definitions. Collection method: clinical testing. Allele origin: germline. Observed: 1 variant allele, 1 heterozygote.

Literature cited by the submitters: PubMed 17576681 (cited by Labcorp Genetics (formerly Invitae), Labcorp); PubMed 9536098 (cited by Labcorp Genetics (formerly Invitae), Labcorp).

NM_001849.4(COL6A2):c.901-3C>G

Gene: COL6A2 (collagen type VI alpha 2 chain; plus strand). Cytogenetic location: 21q22.3.
Variant type: single nucleotide variant.
Coding change: c.901-3C>G on transcript NM_001849.4 (MANE Select); 3 bases into the intron before coding-DNA position 901, C replaced by G.
Molecular consequence: intron variant.
Genome position (GRCh38, 1-based): chr21:46,116,374, C>G. VCF-style: chr21-46116374-C-G. GRCh37 (hg19) VCF-style: chr21-47536288-C-G.
Other names: c.901-3C>G (NM_058175.3, NM_058174.3).
Identifiers: ClinVar variation 597546 (VCV000597546.9), dbSNP rs112317259, ClinGen allele CA321959933.
Genomic context (GRCh38, chr21:46,116,374, plus strand): 5'-CCCTTCCCTGCCTGTGTCTCTGCAGAGCTCCTCACTAATGCCCCTCTCTCCTCCTGCCCC[C>G]AGGGCGTTCCTGGCTTCAAAGGAGAGAAGGTGAGGCTCTTGCCCTGACAGACCTCAGACC-3'